The following is an entry in ClinVar:

NM_004525.3(LRP2):c.10887C>A (p.His3629Gln)

Gene: LRP2 (LDL receptor related protein 2; minus strand). Cytogenetic location: 2q31.1.
Variant type: single nucleotide variant.
Coding change: c.10887C>A on transcript NM_004525.3 (MANE Select); coding-DNA position 10887, C replaced by A.
Protein change: p.His3629Gln; replaces histidine 3629 with glutamine.
Molecular consequence: missense variant.
Genome position (GRCh38, 1-based): chr2:169,174,046, G>T on the plus strand (C>A on the coding strand, the complement: LRP2 is on the minus strand). VCF-style: chr2-169174046-G-T. GRCh37 (hg19) VCF-style: chr2-170030556-G-T.
Other names: short protein forms H3629Q.
Identifiers: ClinVar variation 1398337 (VCV001398337.6), dbSNP rs762733138, ClinGen allele CA1953225.

ClinVar aggregate classification (germline): Uncertain significance. Review status: criteria provided, multiple submitters, no conflicts (2 of 4 stars). 2 submissions from 2 submitters: Uncertain significance (2). Last evaluated 2021-08-27.

Conditions:
Donnai-Barrow syndrome. Also called: DBS/FOAR SYNDROME; FACIOOCULOACOUSTICORENAL SYNDROME. Identifiers: Orphanet 2143, MedGen C1857277, MONDO:0009104, OMIM 222448.

Allele frequency attached by ClinVar (database versions not stated): ExAC 0.00001.
gnomAD v4.1: 10 of 1,614,250 alleles (0.00062%); highest among the groups gnomAD compares: South Asian, 0.0088%; no homozygotes.

Submissions (2):

Labcorp Genetics (formerly Invitae), Labcorp
Classification: Uncertain significance. Last evaluated: 2021-08-27. Review status: criteria provided, single submitter. Criteria: Invitae Variant Classification Sherloc (09022015). Collection method: clinical testing. Allele origin: germline.
Comment: This sequence change replaces histidine with glutamine at codon 3629 of the LRP2 protein (p.His3629Gln). The histidine residue is moderately conserved and there is a small physicochemical difference between histidine and glutamine. This variant is present in population databases (rs762733138, ExAC 0.006%). This variant has not been reported in the literature in individuals affected with LRP2-related conditions. Advanced modeling of protein sequence and biophysical properties (such as structural, functional, and spatial information, amino acid conservation, physicochemical variation, residue mobility, and thermodynamic stability) performed at Invitae indicates that this missense variant is not expected to disrupt LRP2 protein function. In summary, the available evidence is currently insufficient to determine the role of this variant in disease. Therefore, it has been classified as a Variant of Uncertain Significance.

Neuberg Centre For Genomic Medicine, NCGM
Classification: Uncertain significance for Donnai-Barrow syndrome. Review status: criteria provided, single submitter. Criteria: ACMG Guidelines, 2015. Collection method: clinical testing. Allele origin: germline. Inheritance: Autosomal recessive inheritance. Affected: yes.
Comment: The observed missense variant c.10887C>Ap.His3629Gln in the LRP2 gene has not been reported previously as a pathogenic variant nor as a benign variant, to our knowledge. This variant is reported with the allele frequency 0.002% in the gnomAD Exomes. This variant has been reported to the ClinVar database as Uncertain Significanc. However, no details are available for independent assessment. The amino acid His at position 3629 is changed to a Gln changing protein sequence and it might alter its composition and physico- chemical properties. Multiple lines of computational evidence Polyphen - Probably damaging and MutationTaster - Disease causing predict a damaging effect on protein structure and function for this variant. The residue is conserved by GERP++ and PhyloP across 100 vertebrates. For these reasons, this variant has been classified as Uncertain Significance.